The following is an entry in ClinVar:

ClinVar aggregate classification (germline): Uncertain significance (1 of 4 stars; one submission).

Conditions:
Cardiovascular phenotype. Identifiers: MedGen CN230736.

Submission:

Ambry Genetics
Classification: Uncertain significance for Cardiovascular phenotype. Last evaluated: 2023-11-01. Review status: criteria provided, single submitter. Criteria: Ambry Variant Classification Scheme 2023. Collection method: clinical testing. Allele origin: germline.
Comment: The c.539_541dupACA variant (also known as p.N180dup), located in coding exon 10 of the TNNT2 gene, results from an in-frame duplication of ACA at nucleotide positions 539 to 541. This results in the duplication of an extra asparagine residue between codons 180 and 181. This amino acid position is well conserved in available vertebrate species. In addition, this alteration is predicted to be neutral by in silico analysis (Choi Y et al. PLoS ONE. 2012; 7(10):e46688). Since supporting evidence is limited at this time, the clinical significance of this alteration remains unclear.

NM_001276345.2(TNNT2):c.569_571dup (p.Asn190_Met191insAsn)

Gene: TNNT2 (troponin T2, cardiac type; minus strand). Cytogenetic location: 1q32.1.
Variant type: Duplication.
Coding change: c.569_571dup on transcript NM_001276345.2 (MANE Select); coding-DNA positions 569 to 571, 3 bases duplicated (ACA; older notation c.569_571dupACA).
Protein change: p.Asn190_Met191insAsn.
Molecular consequence: inframe insertion.
Genome position (GRCh38, 1-based): chr1:201,363,325-201,363,327, TGT duplicated on the plus strand (ACA on the coding strand, the reverse complement: TNNT2 is on the minus strand); duplicating any 3 consecutive bases within chr1:201,363,325-201,363,329 gives the same sequence; the c. name uses the placement nearest the transcript's 3' end. VCF-style (leftmost placement, unchanged base first): chr1-201363324-A-ATGT. GRCh37 (hg19) VCF-style: chr1-201332452-A-ATGT.
Other names: c.569_571dup, p.Asn190_Met191insAsn (NM_000364.4, NM_001406723.1); c.539_541dup, p.Asn180_Met181insAsn (NM_001001430.3, NM_001001431.3, NM_001276347.2 and 3 more transcripts); c.524_526dup, p.Asn175_Met176insAsn (NM_001001432.3, NM_001406728.1); c.449_451dup, p.Asn150_Met151insAsn (NM_001276346.2); c.536_538dup, p.Asn179_Met180insAsn (NM_001406725.1).
Identifiers: ClinVar variation 3232330 (VCV003232330.1), dbSNP rs2526974883, ClinGen allele CA2825000860.
Genomic context (GRCh38, chr1:201,363,324, plus strand): 5'-TCTCCTGGCAACCCCTGCTGCTCCCTACCTACCTTCTGGATGTAACCCCCAAAATGCATC[A>ATGT]TGTTGGACAAAGCCTTCTTCTTCCGGGCCTCATCCTCAGCCTTCCTCCTGTTCTCCTCCT-3'